The following is an entry in ClinVar:

NM_000465.4(BARD1):c.1678-11T>C

Gene: BARD1 (BRCA1 associated RING domain 1; minus strand). Cytogenetic location: 2q35.
Variant type: single nucleotide variant.
Coding change: c.1678-11T>C on transcript NM_000465.4 (MANE Select); 11 bases into the intron before coding-DNA position 1678, T replaced by C.
Molecular consequence: intron variant.
Genome position (GRCh38, 1-based): chr2:214,745,865, A>G on the plus strand (T>C on the coding strand, the complement: BARD1 is on the minus strand). VCF-style: chr2-214745865-A-G. GRCh37 (hg19) VCF-style: chr2-215610589-A-G.
Other names: c.268-11T>C (NM_001282548.2); c.1621-11T>C (NM_001282543.2); c.325-11T>C (NM_001282545.2); c.365-15357T>C (NM_001282549.2).
Identifiers: ClinVar variation 3378595 (VCV003378595.1).

ClinVar aggregate classification (germline): Likely benign (1 of 4 stars; one submission).

Conditions:
Familial cancer of breast. Also called: hereditary breast carcinoma; Hereditary breast cancer; BREAST CANCER, FAMILIAL. Identifiers: Orphanet 227535, MedGen C0346153, MONDO:0016419, OMIM 114480. Disease mechanism: loss of function.

Submission:

Myriad Genetics, Inc.
Classification: Likely benign for Familial cancer of breast. Last evaluated: 2024-07-26. Review status: criteria provided, single submitter. Criteria: Myriad Autosomal Dominant, Autosomal Recessive and X-Linked Classification Criteria (2023). Collection method: clinical testing. Allele origin: unknown.
Comment: This variant is considered likely benign. This variant is intronic and is not expected to impact mRNA splicing.